The following is an entry in ClinVar:

ClinVar aggregate classification (germline): Likely pathogenic (1 of 4 stars; one submission).

Conditions:
Neurofibromatosis, type 1 (NF1). Also called: Peripheral type neurofibromatosis; Neurofibromatosis, type I; VON RECKLINGHAUSEN DISEASE; NEUROFIBROMATOSIS, TYPE I, SOMATIC. Identifiers: Orphanet 636, MedGen C0027831, MONDO:0018975, OMIM 162200. Disease mechanism: loss of function.

Submission:

Labcorp Genetics (formerly Invitae), Labcorp
Classification: Likely pathogenic for Neurofibromatosis, type 1. Last evaluated: 2024-12-22. Review status: criteria provided, single submitter. Criteria: Invitae Variant Classification Sherloc (09022015). Collection method: clinical testing. Allele origin: germline.
Comment: This sequence change replaces phenylalanine, which is neutral and non-polar, with valine, which is neutral and non-polar, at codon 1515 of the NF1 protein (p.Phe1515Val). This variant is not present in population databases (gnomAD no frequency). This missense change has been observed in individual(s) with clinical features of neurofibromatosis type 1 (internal data). ClinVar contains an entry for this variant (Variation ID: 2879548). Invitae Evidence Modeling of protein sequence and biophysical properties (such as structural, functional, and spatial information, amino acid conservation, physicochemical variation, residue mobility, and thermodynamic stability) indicates that this missense variant is expected to disrupt NF1 protein function with a positive predictive value of 95%. This variant disrupts the p.Phe1515 amino acid residue in NF1. Other variant(s) that disrupt this residue have been determined to be pathogenic (internal data). This suggests that this residue is clinically significant, and that variants that disrupt this residue are likely to be disease-causing. In summary, the currently available evidence indicates that the variant is pathogenic, but additional data are needed to prove that conclusively. Therefore, this variant has been classified as Likely Pathogenic.

NM_001042492.3(NF1):c.4606T>G (p.Phe1536Val)

Gene: NF1 (neurofibromin 1; plus strand). Cytogenetic location: 17q11.2.
Variant type: single nucleotide variant.
Coding change: c.4606T>G on transcript NM_001042492.3 (MANE Select); coding-DNA position 4606, T replaced by G.
Protein change: p.Phe1536Val; replaces phenylalanine 1536 with valine.
Molecular consequence: missense variant.
Genome position (GRCh38, 1-based): chr17:31,261,739, T>G. VCF-style: chr17-31261739-T-G. GRCh37 (hg19) VCF-style: chr17-29588757-T-G.
Other names: c.4543T>G, p.Phe1515Val (NM_000267.4); short protein forms F1515V, F1536V.
Identifiers: ClinVar variation 2879548 (VCV002879548.3), dbSNP rs2508429352, ClinGen allele CA399000188.